The following is an entry in ClinVar:

NM_001312909.2(FAM111A):c.1118T>C (p.Phe373Ser)

Gene: FAM111A (FAM111 trypsin like peptidase A; plus strand). Cytogenetic location: 11q12.1.
Variant type: single nucleotide variant.
Coding change: c.1118T>C on transcript NM_001312909.2 (MANE Select); coding-DNA position 1118, T replaced by C.
Protein change: p.Phe373Ser; replaces phenylalanine 373 with serine.
Molecular consequence: missense variant.
Genome position (GRCh38, 1-based): chr11:59,152,786, T>C. VCF-style: chr11-59152786-T-C. GRCh37 (hg19) VCF-style: chr11-58920259-T-C.
Other names: c.1118T>C, p.Phe373Ser (NM_001142519.3, NM_001142520.3, NM_001142521.3 and 29 more transcripts); short protein forms F373S.
Identifiers: ClinVar variation 2982353 (VCV002982353.3), dbSNP rs376810595, ClinGen allele CA6016713.

ClinVar aggregate classification (germline): Uncertain significance (1 of 4 stars; one submission).

Allele frequency attached by ClinVar (database versions not stated): ExAC 0.00001; gnomAD 0.00001; TOPMed 0.00001; gnomAD exomes 0.00002; ESP Exome Variant Server 0.00008.
gnomAD v4.1: 33 of 1,614,088 alleles (0.002%); highest among the groups gnomAD compares: Non-Finnish European, 0.0027%; no homozygotes.

Submission:

Labcorp Genetics (formerly Invitae), Labcorp
Classification: Uncertain significance. Last evaluated: 2023-02-16. Review status: criteria provided, single submitter. Criteria: Invitae Variant Classification Sherloc (09022015). Collection method: clinical testing. Allele origin: germline.
Comment: This variant has not been reported in the literature in individuals affected with FAM111A-related conditions. This sequence change replaces phenylalanine, which is neutral and non-polar, with serine, which is neutral and polar, at codon 373 of the FAM111A protein (p.Phe373Ser). This variant is present in population databases (rs376810595, gnomAD 0.002%). Advanced modeling of protein sequence and biophysical properties (such as structural, functional, and spatial information, amino acid conservation, physicochemical variation, residue mobility, and thermodynamic stability) performed at Invitae indicates that this missense variant is expected to disrupt FAM111A protein function. In summary, the available evidence is currently insufficient to determine the role of this variant in disease. Therefore, it has been classified as a Variant of Uncertain Significance.